The following is an entry in ClinVar:

ClinVar aggregate classification (germline): Pathogenic (1 of 4 stars; one submission).

Conditions:
Duchenne muscular dystrophy (DMD). Also called: Duchenne Muscular Dystrophy (DMD); MUSCULAR DYSTROPHY, PSEUDOHYPERTROPHIC PROGRESSIVE, DUCHENNE TYPE. Identifiers: Orphanet 98896, MedGen C0013264, MONDO:0010679, OMIM 310200.

Submission:

Labcorp Genetics (formerly Invitae), Labcorp
Classification: Pathogenic for Duchenne muscular dystrophy. Last evaluated: 2021-10-13. Review status: criteria provided, single submitter. Criteria: Invitae Variant Classification Sherloc (09022015). Collection method: clinical testing. Allele origin: germline.
Comment: This variant is a gross deletion of the genomic region encompassing exon(s) 5-30 of the DMD gene. This variant would be expected to be in-frame, preserving the integrity of the reading frame. For these reasons, this variant has been classified as Pathogenic. This variant disrupts a region of the DMD protein in which other variant(s) (Deletion (Exon 5)) have been determined to be pathogenic (PMID: 12920092, 20031633, 21520333, 24292997, 26745801; Invitae). This suggests that this is a clinically significant region of the protein, and that variants that disrupt it are likely to be disease-causing. This variant has not been reported in the literature in individuals affected with DMD-related conditions.

Literature cited by the submitters: PubMed 12920092; PubMed 20031633; PubMed 21520333; PubMed 24292997; PubMed 26745801.

NC_000023.10:g.(?_32429849)_(32841524_?)del

Gene: DMD (dystrophin; minus strand). Cytogenetic location: Xp21.1.
Variant type: Deletion.
Identifiers: ClinVar variation 1460087 (VCV001460087.5).